The following is an entry in ClinVar:

NM_000020.3(ACVRL1):c.1378-248T>G

Gene: ACVRL1 (activin A receptor like type 1; plus strand). Cytogenetic location: 12q13.13.
Variant type: single nucleotide variant.
Coding change: c.1378-248T>G on transcript NM_000020.3 (MANE Select); 248 bases into the intron before coding-DNA position 1378, T replaced by G.
Molecular consequence: intron variant.
Genome position (GRCh38, 1-based): chr12:51,920,511, T>G. VCF-style: chr12-51920511-T-G. GRCh37 (hg19) VCF-style: chr12-52314295-T-G.
Other names: c.1378-248T>G (NM_001077401.2).
Identifiers: ClinVar variation 678439 (VCV000678439.20), dbSNP rs2656315, ClinGen allele CA13647226.

ClinVar aggregate classification (germline): Benign. Review status: criteria provided, multiple submitters, no conflicts (2 of 4 stars). 3 submissions from 3 submitters: Benign (3). Last evaluated 2025-07-23.

Conditions:
Telangiectasia, hereditary hemorrhagic, type 2 (HHT2). Also called: ACVRL1-Related Hereditary Hemorrhagic Telangiectasia; Telangiectasia, hereditary hemorrhagic, type II. Identifiers: Orphanet 774, MedGen C1838163, MONDO:0010880, OMIM 600376. Disease mechanism: loss of function.

Allele frequency attached by ClinVar (database versions not stated): gnomAD 0.31896 and 0.32172; TOPMed 0.32527; 1000 Genomes Project 0.34585; 1000 Genomes Project 30x 0.34838.
gnomAD v4.1: 48,329 of 151,980 alleles (32%); highest among the groups gnomAD compares: African/African-American, 49%; 8,666 homozygotes.

Submissions (7):

ARUP Laboratories, Molecular Genetics and Genomics, ARUP Laboratories
Classification: Benign for Telangiectasia, hereditary hemorrhagic, type 2. Last evaluated: 2025-07-23. Review status: criteria provided, single submitter. Criteria: ARUP Molecular Germline Variant Investigation Process 2024. Collection method: clinical testing. Allele origin: germline.

Genome-Nilou Lab
Classification: Benign for Telangiectasia, hereditary hemorrhagic, type 2. Last evaluated: 2021-12-05. Review status: criteria provided, single submitter. Criteria: ACMG Guidelines, 2015. Collection method: clinical testing. Allele origin: germline. Affected: no.

GeneDx
Classification: Benign. Last evaluated: 2018-06-16. Review status: criteria provided, single submitter. Criteria: GeneDx Variant Classification (06012015). Collection method: clinical testing. Allele origin: germline. Affected: yes.
Comment: This variant is considered likely benign or benign based on one or more of the following criteria: it is a conservative change, it occurs at a poorly conserved position in the protein, it is predicted to be benign by multiple in silico algorithms, and/or has population frequency not consistent with disease.

Dr. Peter K. Rogan Lab, Western University
No classification provided (evidence only). Condition: Thymoma. Review status: no classification provided. Collection method: in vitro. Allele origin: not applicable. Functional consequence: retained intron. Not counted in ClinVar's aggregate classification.

Dr. Peter K. Rogan Lab, Western University
No classification provided (evidence only). Condition: Cholangiocarcinoma. Review status: no classification provided. Collection method: in vitro. Allele origin: not applicable. Functional consequence: retained intron. Not counted in ClinVar's aggregate classification.

Dr. Peter K. Rogan Lab, Western University
No classification provided (evidence only). Condition: Cholangiocarcinoma. Review status: no classification provided. Collection method: in vitro. Allele origin: not applicable. Functional consequence: retained intron. Not counted in ClinVar's aggregate classification.

Dr. Peter K. Rogan Lab, Western University
No classification provided (evidence only). Condition: Uterine carcinosarcoma. Review status: no classification provided. Collection method: in vitro. Allele origin: not applicable. Functional consequence: retained intron. Not counted in ClinVar's aggregate classification.